The following is an entry in ClinVar:

ClinVar aggregate classification (germline): Uncertain significance. Review status: criteria provided, multiple submitters, no conflicts (2 of 4 stars). 2 submissions from 2 submitters: Uncertain significance (2). Last evaluated 2025-05-24.

Conditions:
Inborn genetic diseases. Identifiers: MedGen C0950123, MeSH D030342.

Allele frequency attached by ClinVar (database versions not stated): gnomAD exomes below 0.00001; ExAC 0.00001.
gnomAD v4.1: 2 of 1,613,598 alleles (0.00012%); highest among the groups gnomAD compares: East Asian, 0.0045%; no homozygotes.

Submissions (2):

Ambry Genetics
Classification: Uncertain significance for Inborn genetic diseases. Last evaluated: 2025-05-24. Review status: criteria provided, single submitter. Criteria: Ambry Variant Classification Scheme 2023. Collection method: clinical testing. Allele origin: germline.

Labcorp Genetics (formerly Invitae), Labcorp
Classification: Uncertain significance. Last evaluated: 2022-12-02. Review status: criteria provided, single submitter. Criteria: Invitae Variant Classification Sherloc (09022015). Collection method: clinical testing. Allele origin: germline.
Comment: In summary, the available evidence is currently insufficient to determine the role of this variant in disease. Therefore, it has been classified as a Variant of Uncertain Significance. Advanced modeling of protein sequence and biophysical properties (such as structural, functional, and spatial information, amino acid conservation, physicochemical variation, residue mobility, and thermodynamic stability) performed at Invitae indicates that this missense variant is not expected to disrupt SLC26A3 protein function. ClinVar contains an entry for this variant (Variation ID: 1462659). This variant has not been reported in the literature in individuals affected with SLC26A3-related conditions. This variant is present in population databases (rs752346575, gnomAD 0.006%). This sequence change replaces valine, which is neutral and non-polar, with methionine, which is neutral and non-polar, at codon 704 of the SLC26A3 protein (p.Val704Met).

NM_000111.3(SLC26A3):c.2110G>A (p.Val704Met)

Gene: SLC26A3 (solute carrier family 26 member 3; minus strand). Cytogenetic location: 7q22.3.
Variant type: single nucleotide variant.
Coding change: c.2110G>A on transcript NM_000111.3 (MANE Select); coding-DNA position 2110, G replaced by A.
Protein change: p.Val704Met; replaces valine 704 with methionine.
Molecular consequence: missense variant.
Genome position (GRCh38, 1-based): chr7:107,767,861, C>T on the plus strand (G>A on the coding strand, the complement: SLC26A3 is on the minus strand). VCF-style: chr7-107767861-C-T. GRCh37 (hg19) VCF-style: chr7-107408306-C-T.
Other names: c.2110G>A (NM_000111.2); short protein forms V704M.
Identifiers: ClinVar variation 1462659 (VCV001462659.9), dbSNP rs752346575, ClinGen allele CA4433574.
Genomic context (GRCh38, chr7:107,767,861, plus strand): 5'-TCTTCATCAAAATATGCAAAACAGCATCATGGATTGTTAAGAAAAATATTGAGCTTTTCA[C>T]TTCACCATCAAAAAATTCATACCGGTTAAGCTTCTCAATGAAGTCATCTGAAGAGAAAAA-3'
Protein context (NP_000102.1, residues 694-714): LNRYEFFDGE[Val704Met]KSSIFFLTIH